The following is an entry in ClinVar:

ClinVar aggregate classification (germline): Uncertain significance (1 of 4 stars; one submission).

Allele frequency attached by ClinVar (database versions not stated): gnomAD exomes below 0.00001; TOPMed below 0.00001; gnomAD 0.00001.
gnomAD v4.1: 2 of 1,590,900 alleles (0.00013%); highest among the groups gnomAD compares: East Asian, 0.0022%; no homozygotes.

Submission:

Labcorp Genetics (formerly Invitae), Labcorp
Classification: Uncertain significance. Last evaluated: 2021-08-28. Review status: criteria provided, single submitter. Criteria: Invitae Variant Classification Sherloc (09022015). Collection method: clinical testing. Allele origin: germline.
Comment: This sequence change replaces glutamine with histidine at codon 1214 of the RUSC2 protein (p.Gln1214His). The glutamine residue is moderately conserved and there is a small physicochemical difference between glutamine and histidine. This variant is not present in population databases (ExAC no frequency). This variant has not been reported in the literature in individuals affected with RUSC2-related conditions. Algorithms developed to predict the effect of missense changes on protein structure and function (SIFT, PolyPhen-2, Align-GVGD) all suggest that this variant is likely to be tolerated. In summary, the available evidence is currently insufficient to determine the role of this variant in disease. Therefore, it has been classified as a Variant of Uncertain Significance.

NM_014806.5(RUSC2):c.3642G>C (p.Gln1214His)

Gene: RUSC2 (RUN and SH3 domain containing 2; plus strand). Cytogenetic location: 9p13.3.
Variant type: single nucleotide variant.
Coding change: c.3642G>C on transcript NM_014806.5 (MANE Select); coding-DNA position 3642, G replaced by C.
Protein change: p.Gln1214His; replaces glutamine 1214 with histidine.
Molecular consequence: missense variant. On other transcripts: non-coding transcript variant (1).
Genome position (GRCh38, 1-based): chr9:35,560,282, G>C. VCF-style: chr9-35560282-G-C. GRCh37 (hg19) VCF-style: chr9-35560279-G-C.
Other names: c.3642G>C, p.Gln1214His (NM_001135999.2); c.1008G>C, p.Gln336His (NM_001330740.2); short protein forms Q1214H, Q336H.
Identifiers: ClinVar variation 1487073 (VCV001487073.6), dbSNP rs1006829711, ClinGen allele CA192759930.